The following is an entry in ClinVar:

ClinVar aggregate classification (germline): Likely benign. Review status: criteria provided, multiple submitters, no conflicts (2 of 4 stars). 3 submissions from 3 submitters: Likely benign (2). 1 of the submissions does not count toward it. Last evaluated 2025-04-08.

Conditions:
HGSNAT-related disorder. Also called: HGSNAT-related condition.
Mucopolysaccharidosis, MPS-III-C (MPS3C). Also called: MPS III C; Mucopolysaccharidosis type IIIC (Sanfilippo C); SANFILIPPO SYNDROME C; MUCOPOLYSACCHARIDOSIS, TYPE IIIC; mucopolysaccharidosis type 3C; MPS IIIC (Sanfilippo Syndrome Type C). Identifiers: Orphanet 581, Orphanet 79271, MedGen C0086649, MONDO:0009657, OMIM 252930.
Retinitis pigmentosa 73 (RP73). Identifiers: Orphanet 791, MedGen C4225287, MONDO:0014687, OMIM 616544.

Allele frequency attached by ClinVar (database versions not stated): gnomAD exomes 0.00002 and 0.00001; ExAC 0.00002; TOPMed below 0.00001; gnomAD 0.00001.
gnomAD v4.1: 17 of 1,613,856 alleles (0.0011%); highest among the groups gnomAD compares: Non-Finnish European, 0.0012%; no homozygotes.

Submissions (3):

Labcorp Genetics (formerly Invitae), Labcorp
Classification: Likely benign for Retinitis pigmentosa 73; Mucopolysaccharidosis, MPS-III-C. Last evaluated: 2025-04-08. Review status: criteria provided, single submitter. Criteria: Invitae Variant Classification Sherloc (09022015). Collection method: clinical testing. Allele origin: germline.

Blueprint Genetics
Classification: Likely benign. Last evaluated: 2024-09-08. Review status: criteria provided, single submitter. Criteria: ACMG Guidelines, 2015. Collection method: clinical testing. Allele origin: germline.

PreventionGenetics, part of Exact Sciences
Classification: Likely benign for HGSNAT-related condition. Last evaluated: 2020-04-15. Review status: no assertion criteria provided. Collection method: clinical testing. Allele origin: germline. Not counted in ClinVar's aggregate classification.
Comment: This variant is classified as likely benign based on ACMG/AMP sequence variant interpretation guidelines (Richards et al. 2015 PMID: 25741868, with internal and published modifications).

NM_152419.3(HGSNAT):c.288T>C (p.Pro96=)

Gene: HGSNAT (heparan-alpha-glucosaminide N-acetyltransferase; plus strand). Cytogenetic location: 8p11.21.
Variant type: single nucleotide variant.
Coding change: c.288T>C on transcript NM_152419.3 (MANE Select); coding-DNA position 288, T replaced by C.
Protein change: p.Pro96=; no amino-acid change (proline 96 retained).
Molecular consequence: synonymous variant. On other transcripts: 5 prime UTR variant (1).
Genome position (GRCh38, 1-based): chr8:43,158,628, T>C. VCF-style: chr8-43158628-T-C. GRCh37 (hg19) VCF-style: chr8-43013771-T-C.
Other names: c.288T>C, p.Pro96= (NM_001363227.2, NM_001363228.2); c.-546T>C (NM_001363229.2); c.288T>C (NM_152419.2).
Identifiers: ClinVar variation 1134433 (VCV001134433.10), dbSNP rs755833800, ClinGen allele CA4736473.